The following is an entry in ClinVar:

ClinVar aggregate classification (germline): Conflicting classifications of pathogenicity. Review status: criteria provided, conflicting classifications (1 of 4 stars). 2 submissions from 2 submitters: Uncertain significance (1); Likely benign (1). Last evaluated 2025-10-26.

Conditions:
Hereditary breast ovarian cancer syndrome. Also called: Hereditary breast and ovarian cancer syndrome (HBOC); Hereditary breast and ovarian cancer; BRCA1- and BRCA2-Associated Hereditary Breast and Ovarian Cancer; Hereditary breast and ovarian cancer syndrome; Hereditary breast and/or ovarian cancer syndrome; Breast and ovarian cancer. Identifiers: Orphanet 145, MedGen C0677776, MeSH D061325, MONDO:0003582. Disease mechanism: loss of function.

Submissions (2):

Labcorp Genetics (formerly Invitae), Labcorp
Classification: Likely benign for Hereditary breast ovarian cancer syndrome. Last evaluated: 2025-10-26. Review status: criteria provided, single submitter. Criteria: Invitae Variant Classification Sherloc (09022015). Collection method: clinical testing. Allele origin: germline.

Quest Diagnostics Nichols Institute San Juan Capistrano
Classification: Uncertain significance. Last evaluated: 2025-02-07. Review status: criteria provided, single submitter. Criteria: Quest Diagnostics criteria. Collection method: clinical testing. Allele origin: unknown.
Comment: The BRCA2 c.9256+6G>A variant has not been reported in individuals with BRCA2-related conditions in the published literature. It also has not been reported in large, multi-ethnic general populations (Genome Aggregation Database). Analysis of this variant using software algorithms for the prediction of the effect of nucleotide changes on splicing yielded predictions that this variant does not affect BRCA2 mRNA splicing. Based on the available information, we are unable to determine the clinical significance of this variant.

NM_000059.4(BRCA2):c.9256+6G>A

Gene: BRCA2 (BRCA2 DNA repair associated; plus strand). Cytogenetic location: 13q13.1.
Variant type: single nucleotide variant.
Coding change: c.9256+6G>A on transcript NM_000059.4 (MANE Select); 6 bases into the intron after coding-DNA position 9256, G replaced by A.
Molecular consequence: intron variant.
Genome position (GRCh38, 1-based): chr13:32,380,151, G>A. VCF-style: chr13-32380151-G-A. GRCh37 (hg19) VCF-style: chr13-32954288-G-A.
Other names: c.9160+6G>A (NM_001406719.1); c.4324+6G>A (NM_001406721.1); c.2839+6G>A (NM_001406722.1); c.9256+6G>A (NM_001432077.1, NM_000059.3); c.9205+6G>A (NM_001406720.1).
Identifiers: ClinVar variation 3644695 (VCV003644695.3).
Genomic context (GRCh38, chr13:32,380,151, plus strand): 5'-TCTTGTTCTGAGGTGGACCTAATAGGATTTGTCGTTTCTGTTGTGAAAAAAACAGGTAAT[G>A]CACAATATAGTTAATTTTTTTTATTGATTCTTTTAAAAAACATTGTCTTTTAAAATCTCT-3'